The following is an entry in ClinVar:

ClinVar aggregate classification (germline): Pathogenic (1 of 4 stars; one submission).

Submission:

GeneDx
Classification: Pathogenic. Last evaluated: 2026-01-28. Review status: criteria provided, single submitter. Criteria: GeneDx Variant Classification Process June 2021. Collection method: clinical testing. Allele origin: germline.
Comment: Nonsense variant predicted to result in protein truncation or nonsense mediated decay in a gene for which loss of function is a known mechanism of disease; Not observed at significant frequency in large population cohorts (gnomAD); Has not been previously published as pathogenic or benign to our knowledge

NM_020791.4(TAOK1):c.584T>G (p.Leu195Ter)

Gene: TAOK1 (TAO kinase 1; plus strand). Cytogenetic location: 17q11.2.
Variant type: single nucleotide variant.
Coding change: c.584T>G on transcript NM_020791.4 (MANE Select); coding-DNA position 584, T replaced by G.
Protein change: p.Leu195Ter; replaces leucine 195 with a stop codon.
Molecular consequence: nonsense.
Genome position (GRCh38, 1-based): chr17:29,482,217, T>G. VCF-style: chr17-29482217-T-G. GRCh37 (hg19) VCF-style: chr17-27809235-T-G.
Other names: c.584T>G, p.Leu195Ter (NM_025142.1); short protein forms L195*.
Identifiers: ClinVar variation 4975464 (VCV004975464.1).